The following is an entry in ClinVar:

ClinVar aggregate classification (germline): Uncertain significance. Review status: criteria provided, multiple submitters, no conflicts (2 of 4 stars). 2 submissions from 2 submitters: Uncertain significance (2). Last evaluated 2024-10-25.

Submissions (2):

Women's Health and Genetics/Laboratory Corporation of America, LabCorp
Classification: Uncertain significance. Last evaluated: 2024-10-25. Review status: criteria provided, single submitter. Criteria: LabCorp Variant Classification Summary - May 2015. Collection method: clinical testing. Allele origin: germline.
Comment: Variant summary: CNOT3 c.1905-7C>G alters a nucleotide located close to a canonical splice site and therefore could affect mRNA splicing, leading to a significantly altered protein sequence. Consensus agreement among computation tools predict no significant impact on normal splicing. However, these predictions have yet to be confirmed by functional studies. The variant was absent in 199032 control chromosomes. The available data on variant occurrences in the general population are insufficient to allow any conclusion about variant significance. To our knowledge, no occurrence of c.1905-7C>G in individuals affected with Intellectual Developmental Disorder With Speech Delay, Autism, And Dysmorphic Facies and no experimental evidence demonstrating its impact on protein function have been reported. No submitters have cited clinical-significance assessments for this variant to ClinVar. Based on the evidence outlined above, the variant was classified as uncertain significance.

GeneDx
Classification: Uncertain significance. Last evaluated: 2024-07-09. Review status: criteria provided, single submitter. Criteria: GeneDx Variant Classification Process June 2021. Collection method: clinical testing. Allele origin: germline. Affected: yes.
Comment: In silico analysis suggests this variant may impact gene splicing. In the absence of RNA/functional studies, the actual effect of this sequence change is unknown; Not observed at significant frequency in large population cohorts (gnomAD); Has not been previously published as pathogenic or benign to our knowledge

NM_014516.4(CNOT3):c.1905-7C>G

Gene: CNOT3 (CCR4-NOT transcription complex subunit 3; plus strand). Cytogenetic location: 19q13.42.
Variant type: single nucleotide variant.
Coding change: c.1905-7C>G on transcript NM_014516.4 (MANE Select); 7 bases into the intron before coding-DNA position 1905, C replaced by G.
Molecular consequence: intron variant.
Genome position (GRCh38, 1-based): chr19:54,152,860, C>G. VCF-style: chr19-54152860-C-G. GRCh37 (hg19) VCF-style: chr19-54656597-C-G.
Identifiers: ClinVar variation 3385085 (VCV003385085.2).